The following is an entry in ClinVar:

ClinVar aggregate classification (germline): Uncertain significance (1 of 4 stars; one submission).

gnomAD v4.1: 3 of 1,595,626 alleles (0.00019%); highest among the groups gnomAD compares: Non-Finnish European, 0.00026%; no homozygotes.

Submission:

Labcorp Genetics (formerly Invitae), Labcorp
Classification: Uncertain significance. Last evaluated: 2025-04-11. Review status: criteria provided, single submitter. Criteria: Invitae Variant Classification Sherloc (09022015). Collection method: clinical testing. Allele origin: germline.
Comment: This sequence change replaces cysteine, which is neutral and slightly polar, with arginine, which is basic and polar, at codon 680 of the STAT4 protein (p.Cys680Arg). This variant is present in population databases (no rsID available, gnomAD 0.0009%). This variant has not been reported in the literature in individuals affected with STAT4-related conditions. An algorithm developed to predict the effect of missense changes on protein structure and function (PolyPhen-2) suggests that this variant is likely to be tolerated. In summary, the available evidence is currently insufficient to determine the role of this variant in disease. Therefore, it has been classified as a Variant of Uncertain Significance.

NM_003151.4(STAT4):c.2038T>C (p.Cys680Arg)

Gene: STAT4 (signal transducer and activator of transcription 4; minus strand). Cytogenetic location: 2q32.2.
Variant type: single nucleotide variant.
Coding change: c.2038T>C on transcript NM_003151.4 (MANE Select); coding-DNA position 2038, T replaced by C.
Protein change: p.Cys680Arg; replaces cysteine 680 with arginine.
Molecular consequence: missense variant.
Genome position (GRCh38, 1-based): chr2:191,032,964, A>G on the plus strand (T>C on the coding strand, the complement: STAT4 is on the minus strand). VCF-style: chr2-191032964-A-G. GRCh37 (hg19) VCF-style: chr2-191897690-A-G.
Other names: c.2038T>C, p.Cys680Arg (NM_001243835.2); short protein forms C680R.
Identifiers: ClinVar variation 4768292 (VCV004768292.1).